The following is an entry in ClinVar:

ClinVar aggregate classification (germline): Likely benign. Review status: criteria provided, multiple submitters, no conflicts (2 of 4 stars). 5 submissions from 5 submitters: Likely benign (5). Last evaluated 2026-04-27.

Conditions:
PTCH1-related disorder. Also called: PTCH1-related disorders; PTCH1-related condition.
Hereditary cancer-predisposing syndrome. Also called: Hereditary neoplastic syndrome; Neoplastic Syndromes, Hereditary; Tumor predisposition; Hereditary Cancer Syndrome. Identifiers: Orphanet 140162, MedGen C0027672, MeSH D009386, MONDO:0015356.

Allele frequency attached by ClinVar (database versions not stated): TOPMed 0.00022; 1000 Genomes Project 30x 0.00031; 1000 Genomes Project 0.00040; gnomAD exomes 0.00017 and 0.00032; gnomAD 0.00021 and 0.00020; ExAC 0.00022; ESP Exome Variant Server 0.00025.
gnomAD v4.1: 485 of 1,612,406 alleles (0.03%); highest among the groups gnomAD compares: Non-Finnish European, 0.038%; no homozygotes.

Submissions (5):

PreventionGenetics, part of Exact Sciences
Classification: Likely benign for PTCH1-related condition. Last evaluated: 2026-04-27. Review status: criteria provided, single submitter. Criteria: ACMG Guidelines, 2015. Collection method: clinical testing. Allele origin: germline.
Comment: This variant is classified as likely benign based on ACMG/AMP sequence variant interpretation guidelines (Richards et al. 2015 PMID: 25741868, with internal and published modifications).

CeGaT Center for Human Genetics Tuebingen
Classification: Likely benign. Last evaluated: 2025-05-01. Review status: criteria provided, single submitter. Criteria: CeGaT Center For Human Genetics Tuebingen Variant Classification Criteria Version 2. Collection method: clinical testing. Allele origin: germline. Affected: yes. Observed: 4 variant alleles.
Comment: PTCH1: BP4, BP7

Center for Genomic Medicine, Rigshospitalet, Copenhagen University Hospital
Classification: Likely benign. Last evaluated: 2025-03-04. Review status: criteria provided, single submitter. Criteria: ACMG Guidelines, 2015. Collection method: clinical testing. Allele origin: germline.

Blueprint Genetics
Classification: Likely benign. Last evaluated: 2024-11-08. Review status: criteria provided, single submitter. Criteria: ACMG Guidelines, 2015. Collection method: clinical testing. Allele origin: germline.

Sema4
Classification: Likely benign for Hereditary cancer-predisposing syndrome. Last evaluated: 2022-02-04. Review status: criteria provided, single submitter. Criteria: Sema4 Curation Guidelines. Collection method: curation. Allele origin: germline.

NM_001083603.3(PTCH1):c.36G>T (p.Val12=)

Gene: PTCH1 (patched 1; minus strand). Cytogenetic location: 9q22.32.
Variant type: single nucleotide variant.
Coding change: c.36G>T on transcript NM_001083603.3 (MANE Plus Clinical); coding-DNA position 36, G replaced by T.
Protein change: p.Val12=; no amino-acid change (valine 12 retained).
Molecular consequence: synonymous variant. On other transcripts: 5 prime UTR variant (2).
Genome position (GRCh38, 1-based): chr9:95,516,785, C>A on the plus strand (G>T on the coding strand, the complement: PTCH1 is on the minus strand). VCF-style: chr9-95516785-C-A. GRCh37 (hg19) VCF-style: chr9-98279067-C-A.
Other names: c.-314G>T (NM_001083602.3, NM_001354919.2).
Identifiers: ClinVar variation 1692541 (VCV001692541.24), dbSNP rs200215582, ClinGen allele CA5139130.